The following is an entry in ClinVar:

NM_003072.5(SMARCA4):c.1419+10G>A

Gene: SMARCA4 (SWI/SNF related BAF chromatin remodeling complex subunit ATPase 4; plus strand). Cytogenetic location: 19p13.2.
Variant type: single nucleotide variant.
Coding change: c.1419+10G>A on transcript NM_003072.5 (MANE Select); 10 bases into the intron after coding-DNA position 1419, G replaced by A.
Molecular consequence: intron variant.
Genome position (GRCh38, 1-based): chr19:10,991,333, G>A. VCF-style: chr19-10991333-G-A. GRCh37 (hg19) VCF-style: chr19-11102009-G-A.
Other names: c.1419+10G>A (NM_001128844.3, NM_001128849.3, NM_001128847.4 and 5 more transcripts).
Identifiers: ClinVar variation 238374 (VCV000238374.12), dbSNP rs759831368, ClinGen allele CA10583731.

ClinVar aggregate classification (germline): Likely benign. Review status: criteria provided, multiple submitters, no conflicts (2 of 4 stars). 2 submissions from 2 submitters: Likely benign (2). Last evaluated 2026-07-06.

Conditions:
Rhabdoid tumor predisposition syndrome 2 (RTPS2). Identifiers: Orphanet 231108, Orphanet 69077, MedGen C2750074, MONDO:0013224, OMIM 613325.

Allele frequency attached by ClinVar (database versions not stated): gnomAD 0.00001; TOPMed 0.00001.
gnomAD v4.1: 5 of 1,581,244 alleles (0.00032%); highest among the groups gnomAD compares: Non-Finnish European, 0.00034%; no homozygotes.

Submissions (2):

Myriad Genetics, Inc.
Classification: Likely benign for Rhabdoid tumor predisposition syndrome 2. Last evaluated: 2026-07-06. Review status: criteria provided, single submitter. Criteria: Myriad Autosomal Dominant, Autosomal Recessive and X-Linked Classification Criteria (2023). Collection method: clinical testing. Allele origin: unknown.
Comment: This variant is considered likely benign. This variant is intronic and is not expected to impact mRNA splicing.

Labcorp Genetics (formerly Invitae), Labcorp
Classification: Likely benign for Rhabdoid tumor predisposition syndrome 2. Last evaluated: 2025-10-23. Review status: criteria provided, single submitter. Criteria: Invitae Variant Classification Sherloc (09022015). Collection method: clinical testing. Allele origin: germline.